The following is an entry in ClinVar:

NM_033305.3(VPS13A):c.2484_2485del (p.Leu829fs)

Gene: VPS13A (vacuolar protein sorting 13 homolog A; plus strand). Cytogenetic location: 9q21.2.
Variant type: Microsatellite.
Coding change: c.2484_2485del on transcript NM_033305.3 (MANE Select); coding-DNA positions 2484 to 2485, 2 bases deleted (CT; older notation c.2484_2485delCT).
Protein change: p.Leu829fs; shifts the reading frame from leucine 829.
Molecular consequence: frameshift variant.
Genome position (GRCh38, 1-based): chr9:77,273,336-77,273,337, CT deleted; deleting any 2 consecutive bases within chr9:77,273,332-77,273,337 gives the same sequence; the c. name uses the placement nearest the transcript's 3' end. VCF-style (leftmost placement, unchanged base first): chr9-77273331-CCT-C. GRCh37 (hg19) VCF-style: chr9-79888247-CCT-C.
Other names: c.2484_2485del, p.Leu829fs (NM_001018037.2, NM_001018038.3, NM_015186.4); short protein forms L829fs.
Identifiers: ClinVar variation 954410 (VCV000954410.7), dbSNP rs1826458502, ClinGen allele CA1857176618.

ClinVar aggregate classification (germline): Pathogenic (1 of 4 stars; one submission).

Submission:

Labcorp Genetics (formerly Invitae), Labcorp
Classification: Pathogenic. Last evaluated: 2019-08-07. Review status: criteria provided, single submitter. Criteria: Invitae Variant Classification Sherloc (09022015). Collection method: clinical testing. Allele origin: germline.
Comment: This variant has not been reported in the literature in individuals with VPS13A-related conditions. This sequence change creates a premature translational stop signal (p.Leu829Glyfs*7) in the VPS13A gene. It is expected to result in an absent or disrupted protein product. This variant is not present in population databases (ExAC no frequency). Loss-of-function variants in VPS13A are known to be pathogenic (PMID: 12404112, 21598378). For these reasons, this variant has been classified as Pathogenic.

Literature cited by the submitters: PubMed 12404112; PubMed 21598378.